The following is an entry in ClinVar:

ClinVar aggregate classification (germline): Likely benign. Review status: criteria provided, multiple submitters, no conflicts (2 of 4 stars). 2 submissions from 2 submitters: Likely benign (2). Last evaluated 2023-12-01.

Allele frequency attached by ClinVar (database versions not stated): gnomAD exomes below 0.00001.
gnomAD v4.1: 2 of 1,202,080 alleles (0.00017%); highest among the groups gnomAD compares: Non-Finnish European, 0.00023%; no homozygotes.

Submissions (2):

CeGaT Center for Human Genetics Tuebingen
Classification: Likely benign. Last evaluated: 2023-12-01. Review status: criteria provided, single submitter. Criteria: CeGaT Center For Human Genetics Tuebingen Variant Classification Criteria Version 2. Collection method: clinical testing. Allele origin: germline. Affected: yes. Observed: 1 variant allele.
Comment: POLA1: PM2:Supporting, BP4, BP7

Blueprint Genetics
Classification: Likely benign. Last evaluated: 2023-10-25. Review status: criteria provided, single submitter. Criteria: ACMG Guidelines, 2015. Collection method: clinical testing. Allele origin: germline.

NM_001330360.2(POLA1):c.651C>T (p.Val217=)

Gene: POLA1 (DNA polymerase alpha 1, catalytic subunit; plus strand). Cytogenetic location: Xp22.11.
Variant type: single nucleotide variant.
Coding change: c.651C>T on transcript NM_001330360.2 (MANE Select); coding-DNA position 651, C replaced by T.
Protein change: p.Val217=; no amino-acid change (valine 217 retained).
Molecular consequence: synonymous variant. On other transcripts: non-coding transcript variant (2).
Genome position (GRCh38, 1-based): chrX:24,716,916, C>T. VCF-style: chrX-24716916-C-T. GRCh37 (hg19) VCF-style: chrX-24735033-C-T.
Other names: c.651C>T, p.Val217= (NM_001378303.1); c.633C>T, p.Val211= (NM_016937.4).
Identifiers: ClinVar variation 3026719 (VCV003026719.23), dbSNP rs2518761936, ClinGen allele CA515712048.
Genomic context (GRCh38, chrX:24,716,916, plus strand): 5'-CTGACTAAATATTTAAAAACGTTTACAGGCAGTTCCTTCAGGAAAAATTGCTTCCCCTGT[C>T]TCCAGAAAGGAGCCTCCATTAACTCCTGTTCCTCTTAAACGTGCTGAATTTGCTGGTAAG-3'
Protein context (NP_001317289.1, residues 207-227): AVPSGKIASP[Val217=]SRKEPPLTPV